The following is an entry in ClinVar:

NM_000321.3(RB1):c.862-1G>A

Gene: RB1 (RB transcriptional corepressor 1; plus strand). Cytogenetic location: 13q14.2.
Variant type: single nucleotide variant.
Coding change: c.862-1G>A on transcript NM_000321.3 (MANE Select); the canonical splice acceptor site of the intron before coding-DNA position 862, G replaced by A.
Molecular consequence: splice acceptor variant.
Genome position (GRCh38, 1-based): chr13:48,364,893, G>A. VCF-style: chr13-48364893-G-A. GRCh37 (hg19) VCF-style: chr13-48939029-G-A.
Other names: c.862-1G>A (NM_001407165.1, NM_001407166.1).
Identifiers: ClinVar variation 3338799 (VCV003338799.1).

ClinVar aggregate classification (germline): Pathogenic (1 of 4 stars; one submission).

gnomAD v4.1: 1 of 1,550,940 alleles (0.000064%); no homozygotes.

Submission:

GeneDx
Classification: Pathogenic. Last evaluated: 2023-12-18. Review status: criteria provided, single submitter. Criteria: GeneDx Variant Classification Process June 2021. Collection method: clinical testing. Allele origin: germline. Affected: yes.
Comment: Identified in individuals with retinoblastoma and was observed in affected and unaffected individuals in at least one family (PMID: 24810223, 24225018, 33456302); Canonical splice site variant demonstrated to result in skipping of exon 9 (PMID: 24810223); Not observed at significant frequency in large population cohorts (gnomAD); This variant is associated with the following publications: (PMID: 23516486, 24810223, 33456302, 24225018)